The following is an entry in ClinVar:

ClinVar aggregate classification (germline): Uncertain significance (1 of 4 stars; one submission).

Conditions:
Cardiovascular phenotype. Identifiers: MedGen CN230736.

gnomAD v4.1: 23 of 1,611,422 alleles (0.0014%); highest among the groups gnomAD compares: Non-Finnish European, 0.0019%; no homozygotes.

Submission:

Ambry Genetics
Classification: Uncertain significance for Cardiovascular phenotype. Last evaluated: 2026-06-15. Review status: criteria provided, single submitter. Criteria: Ambry Variant Classification Scheme 2023. Collection method: clinical testing. Allele origin: germline.
Comment: The p.N501S variant (also known as c.1502A>G), located in coding exon 10 of the LMF1 gene, results from an A to G substitution at nucleotide position 1502. The asparagine at codon 501 is replaced by serine, an amino acid with highly similar properties. This amino acid position is conserved. In addition, this alteration is predicted to be tolerated by in silico analysis. Based on the available evidence, the clinical significance of this variant remains unclear.

NM_022773.4(LMF1):c.1502A>G (p.Asn501Ser)

Gene: LMF1 (lipase maturation factor 1; minus strand). Cytogenetic location: 16p13.3.
Variant type: single nucleotide variant.
Coding change: c.1502A>G on transcript NM_022773.4 (MANE Select); coding-DNA position 1502, A replaced by G.
Protein change: p.Asn501Ser; replaces asparagine 501 with serine.
Molecular consequence: missense variant. On other transcripts: synonymous variant (1), non-coding transcript variant (1).
Genome position (GRCh38, 1-based): chr16:868,971, T>C on the plus strand (A>G on the coding strand, the complement: LMF1 is on the minus strand). VCF-style: chr16-868971-T-C. GRCh37 (hg19) VCF-style: chr16-918971-T-C.
Other names: c.851A>G, p.Asn284Ser (NM_001352017.2, NM_001352021.2); c.1103A>G, p.Asn368Ser (NM_001352018.2); c.1175A>G, p.Asn392Ser (NM_001352019.2); c.1422A>G, p.Gln474= (NM_001352020.1); short protein forms N501S, N284S, N368S, N392S.
Identifiers: ClinVar variation 5023596 (VCV005023596.1).